The following is an entry in ClinVar:

NM_001385012.1(NBEA):c.8242G>T (p.Ala2748Ser)

Gene: NBEA (neurobeachin; plus strand). Cytogenetic location: 13q13.3.
Variant type: single nucleotide variant.
Coding change: c.8242G>T on transcript NM_001385012.1 (MANE Select); coding-DNA position 8242, G replaced by T.
Protein change: p.Ala2748Ser; replaces alanine 2748 with serine.
Molecular consequence: missense variant.
Genome position (GRCh38, 1-based): chr13:35,655,629, G>T. VCF-style: chr13-35655629-G-T. GRCh37 (hg19) VCF-style: chr13-36229766-G-T.
Other names: c.1558G>T, p.Ala520Ser (NM_001204197.3); c.8233G>T, p.Ala2745Ser (NM_001379245.1); c.8179G>T, p.Ala2727Ser (NM_015678.5); short protein forms A2727S, A2745S, A2748S, A520S.
Identifiers: ClinVar variation 4853744 (VCV004853744.1).

ClinVar aggregate classification (germline): Uncertain significance (1 of 4 stars; one submission).

gnomAD v4.1: 2 of 1,613,730 alleles (0.00012%); highest among the groups gnomAD compares: Admixed American, 0.0033%; no homozygotes.

Submission:

Women's Health and Genetics/Laboratory Corporation of America, LabCorp
Classification: Uncertain significance. Last evaluated: 2026-05-21. Review status: criteria provided, single submitter. Criteria: LabCorp Variant Classification Summary - May 2015. Collection method: clinical testing. Allele origin: germline.
Comment: Variant summary: NBEA c.8179G>T (p.Ala2727Ser) results in a conservative amino acid change in the encoded protein sequence. Algorithms developed to predict the effect of missense changes on protein structure and function are either unavailable or do not agree on the potential impact of this missense change. The variant allele was found at a frequency of 1.2e-06 in 1613730 control chromosomes. The available data on variant occurrences in the general population are insufficient to allow any conclusion about variant significance. To our knowledge, no occurrence of c.8179G>T in individuals affected with NBEA-related conditions and no experimental evidence demonstrating its impact on protein function have been reported. No submitters have cited clinical-significance assessments for this variant to ClinVar. Based on the evidence outlined above, the variant was classified as uncertain significance.